The following is an entry in ClinVar:

NM_000038.6(APC):c.5120C>G (p.Ser1707Cys)

Gene: APC (APC regulator of Wnt signaling pathway; plus strand). Cytogenetic location: 5q22.2.
Variant type: single nucleotide variant.
Coding change: c.5120C>G on transcript NM_000038.6 (MANE Select); coding-DNA position 5120, C replaced by G.
Protein change: p.Ser1707Cys; replaces serine 1707 with cysteine.
Molecular consequence: missense variant.
Genome position (GRCh38, 1-based): chr5:112,840,714, C>G. VCF-style: chr5-112840714-C-G. GRCh37 (hg19) VCF-style: chr5-112176411-C-G.
Other names: c.5120C>G, p.Ser1707Cys (NM_001354895.2, NM_001407450.1, NM_001127510.3); c.5174C>G, p.Ser1725Cys (NM_001354896.2, NM_001407447.1, NM_001407448.1 and 1 more transcripts); c.5150C>G, p.Ser1717Cys (NM_001354897.2); c.5045C>G, p.Ser1682Cys (NM_001354898.2); c.5036C>G, p.Ser1679Cys (NM_001354899.2); c.4997C>G, p.Ser1666Cys (NM_001354900.2); c.4943C>G, p.Ser1648Cys (NM_001354901.2, NM_001407453.1); c.4847C>G, p.Ser1616Cys (NM_001354902.2); and 11 more; short protein forms S1547C, S1624C, S1666C, S1697C, S1323C, S1424C, S1616C, S1648C.
Identifiers: ClinVar variation 2010885 (VCV002010885.4), dbSNP rs1580656459, ClinGen allele CA16032522.

ClinVar aggregate classification (germline): Uncertain significance (1 of 4 stars; one submission).

Conditions:
Familial adenomatous polyposis 1 (FAP1). Also called: FAMILIAL ADENOMATOUS POLYPOSIS 1, ATTENUATED; POLYPOSIS, ADENOMATOUS INTESTINAL. Identifiers: MedGen C2713442, MONDO:0021056, OMIM 175100. Disease mechanism: loss of function.

Submission:

Labcorp Genetics (formerly Invitae), Labcorp
Classification: Uncertain significance for Familial adenomatous polyposis 1. Last evaluated: 2024-09-05. Review status: criteria provided, single submitter. Criteria: Invitae Variant Classification Sherloc (09022015). Collection method: clinical testing. Allele origin: germline.
Comment: This sequence change replaces serine, which is neutral and polar, with cysteine, which is neutral and slightly polar, at codon 1707 of the APC protein (p.Ser1707Cys). This variant is not present in population databases (gnomAD no frequency). This variant has not been reported in the literature in individuals affected with APC-related conditions. ClinVar contains an entry for this variant (Variation ID: 2010885). Invitae Evidence Modeling of protein sequence and biophysical properties (such as structural, functional, and spatial information, amino acid conservation, physicochemical variation, residue mobility, and thermodynamic stability) indicates that this missense variant is not expected to disrupt APC protein function with a negative predictive value of 95%. In summary, the available evidence is currently insufficient to determine the role of this variant in disease. Therefore, it has been classified as a Variant of Uncertain Significance.